The following is an entry in ClinVar:

ClinVar aggregate classification (germline): Likely benign (1 of 4 stars; one submission).

Submission:

CeGaT Center for Human Genetics Tuebingen
Classification: Likely benign. Last evaluated: 2025-12-01. Review status: criteria provided, single submitter. Criteria: CeGaT Center For Human Genetics Tuebingen Variant Classification Criteria Version 2. Collection method: clinical testing. Allele origin: germline. Affected: yes. Observed: 1 variant allele.
Comment: SETD2: PM2:Supporting, BP4, BP7

NM_014159.7(SETD2):c.3609A>T (p.Pro1203=)

Gene: SETD2 (SET domain containing 2, histone lysine methyltransferase; minus strand). Cytogenetic location: 3p21.31.
Variant type: single nucleotide variant.
Coding change: c.3609A>T on transcript NM_014159.7 (MANE Select); coding-DNA position 3609, A replaced by T.
Protein change: p.Pro1203=; no amino-acid change (proline 1203 retained).
Molecular consequence: synonymous variant. On other transcripts: non-coding transcript variant (1).
Genome position (GRCh38, 1-based): chr3:47,121,027, T>A on the plus strand (A>T on the coding strand, the complement: SETD2 is on the minus strand). VCF-style: chr3-47121027-T-A. GRCh37 (hg19) VCF-style: chr3-47162517-T-A.
Other names: c.3477A>T, p.Pro1159= (NM_001349370.3).
Identifiers: ClinVar variation 4681706 (VCV004681706.5).
Genomic context (GRCh38, chr3:47,121,027, plus strand): 5'-TTGGAAAGTGGTCTGTTGCCAAGACTTATTTGGGACATCTTCAAAATCAGAAGAATAAAT[T>A]GGCAGCTCTTCTTGCTGCCTAGAAGGTATTTTGGCTTTCACGGTTTCCTCTGAATTTGGG-3'
Protein context (NP_054878.5, residues 1193-1213): KIPSRQQEEL[Pro1203=]IYSSDFEDVP